The following is an entry in ClinVar:

NM_002972.4(SBF1):c.812C>T (p.Pro271Leu)

Gene: SBF1 (SET binding factor 1; minus strand). Cytogenetic location: 22q13.33.
Variant type: single nucleotide variant.
Coding change: c.812C>T on transcript NM_002972.4 (MANE Select); coding-DNA position 812, C replaced by T.
Protein change: p.Pro271Leu; replaces proline 271 with leucine.
Molecular consequence: missense variant.
Genome position (GRCh38, 1-based): chr22:50,466,235, G>A on the plus strand (C>T on the coding strand, the complement: SBF1 is on the minus strand). VCF-style: chr22-50466235-G-A. GRCh37 (hg19) VCF-style: chr22-50904664-G-A.
Other names: c.815C>T, p.Pro272Leu (NM_001365819.1); short protein forms P272L, P271L.
Identifiers: ClinVar variation 1410505 (VCV001410505.3), dbSNP rs756050360, ClinGen allele CA10317952.
Genomic context (GRCh38, chr22:50,466,235, plus strand): 5'-GCCGCGTTGACCCCAATGATGAAGGGCGTGGGTGTGCTGAGGACCTCCAGCAGCTGAGCC[G>A]GCAGGATGGGCACATAGGTGAAGCTGTGCAGGCCCCAGAGGATGCAGTGAGCCAGGGGAC-3'
Protein context (NP_002963.2, residues 261-281): RYSFTYVPIL[Pro271Leu]AQLLEVLSTP

ClinVar aggregate classification (germline): Uncertain significance (1 of 4 stars; one submission).

Allele frequency attached by ClinVar (database versions not stated): gnomAD exomes below 0.00001 and 0.00001; ExAC 0.00001; gnomAD 0.00001.
gnomAD v4.1: 4 of 1,613,376 alleles (0.00025%); highest among the groups gnomAD compares: Non-Finnish European, 0.00025%; no homozygotes.

Submission:

Labcorp Genetics (formerly Invitae), Labcorp
Classification: Uncertain significance. Last evaluated: 2021-08-11. Review status: criteria provided, single submitter. Criteria: Invitae Variant Classification Sherloc (09022015). Collection method: clinical testing. Allele origin: germline.
Comment: This sequence change replaces proline with leucine at codon 271 of the SBF1 protein (p.Pro271Leu). The proline residue is highly conserved and there is a moderate physicochemical difference between proline and leucine. This variant is present in population databases (rs756050360, ExAC 0.002%). This variant has not been reported in the literature in individuals affected with SBF1-related conditions. Algorithms developed to predict the effect of missense changes on protein structure and function are either unavailable or do not agree on the potential impact of this missense change (SIFT: "Deleterious"; PolyPhen-2: "Probably Damaging"; Align-GVGD: "Class C0"). In summary, the available evidence is currently insufficient to determine the role of this variant in disease. Therefore, it has been classified as a Variant of Uncertain Significance.